The following is an entry in ClinVar:

ClinVar aggregate classification (germline): Uncertain significance (1 of 4 stars; one submission).

Allele frequency attached by ClinVar (database versions not stated): gnomAD 0.00001; gnomAD exomes 0.00001; TOPMed 0.00001.

Submission:

Labcorp Genetics (formerly Invitae), Labcorp
Classification: Uncertain significance. Last evaluated: 2022-08-21. Review status: criteria provided, single submitter. Criteria: Invitae Variant Classification Sherloc (09022015). Collection method: clinical testing. Allele origin: germline.
Comment: This sequence change replaces methionine, which is neutral and non-polar, with threonine, which is neutral and polar, at codon 144 of the POP1 protein (p.Met144Thr). This variant is present in population databases (no rsID available, gnomAD 0.006%). This variant has not been reported in the literature in individuals affected with POP1-related conditions. Algorithms developed to predict the effect of missense changes on protein structure and function are either unavailable or do not agree on the potential impact of this missense change (SIFT: "Deleterious"; PolyPhen-2: "Probably Damaging"; Align-GVGD: "Class C0"). In summary, the available evidence is currently insufficient to determine the role of this variant in disease. Therefore, it has been classified as a Variant of Uncertain Significance.

NM_001145860.2(POP1):c.431T>C (p.Met144Thr)

Gene: POP1 (POP1 homolog, ribonuclease P/MRP subunit; plus strand). Cytogenetic location: 8q22.2.
Variant type: single nucleotide variant.
Coding change: c.431T>C on transcript NM_001145860.2 (MANE Select); coding-DNA position 431, T replaced by C.
Protein change: p.Met144Thr; replaces methionine 144 with threonine.
Molecular consequence: missense variant.
Genome position (GRCh38, 1-based): chr8:98,128,485, T>C. VCF-style: chr8-98128485-T-C. GRCh37 (hg19) VCF-style: chr8-99140713-T-C.
Other names: c.431T>C, p.Met144Thr (NM_001145861.2, NM_015029.3); short protein forms M144T.
Identifiers: ClinVar variation 1923399 (VCV001923399.2), dbSNP rs1469016290, ClinGen allele CA371788651.
Genomic context (GRCh38, chr8:98,128,485, plus strand): 5'-AGAAGTCTTCGAATTCACTGGTTTTTCAGACTCTGCCACGGCACATGCGACGAAGAGCCA[T>C]GAGCCACAACGTCAAACGCCTTCCCAGACGGTTACAGGAGATTGCCCAGAAAGAGGTAGG-3'
Protein context (NP_001139332.1, residues 134-154): TLPRHMRRRA[Met144Thr]SHNVKRLPRR